The following is an entry in ClinVar:

NM_001267550.2(TTN):c.92362G>A (p.Gly30788Ser)

Genes: TTN (titin; minus strand), TTN-AS1 (TTN antisense RNA 1; plus strand). Cytogenetic location: 2q31.2.
Variant type: single nucleotide variant.
Coding change: c.92362G>A on transcript NM_001267550.2 (MANE Select); coding-DNA position 92362, G replaced by A.
Protein change: p.Gly30788Ser; replaces glycine 30788 with serine.
Molecular consequence: missense variant.
Genome position (GRCh38, 1-based): chr2:178,549,264, C>T on the plus strand (G>A on the coding strand, the complement: TTN is on the minus strand). VCF-style: chr2-178549264-C-T. GRCh37 (hg19) VCF-style: chr2-179413991-C-T.
Other names: c.87439G>A, p.Gly29147Ser (NM_001256850.1); c.84658G>A, p.Gly28220Ser (NM_133378.4); c.65167G>A, p.Gly21723Ser (NM_003319.4); c.65542G>A, p.Gly21848Ser (NM_133432.3); c.65743G>A, p.Gly21915Ser (NM_133437.4); short protein forms G28220S, G30788S, G29147S, G21723S, G21848S, G21915S.
Identifiers: ClinVar variation 228165 (VCV000228165.36), dbSNP rs199891245, ClinGen allele CA1987454.

ClinVar aggregate classification (germline): Conflicting classifications of pathogenicity. Review status: criteria provided, conflicting classifications (1 of 4 stars). 11 submissions from 7 submitters: Uncertain significance (3); Benign (2); Likely benign (6). Last evaluated 2026-01-20.

Conditions:
TTN-related disorder. Also called: TTN-related disorders; TTN-related condition; TTN-related disease.
Dilated cardiomyopathy 1G (CMD1G). Identifiers: Orphanet 154, MedGen C1858763, MONDO:0011400, OMIM 604145.
Autosomal recessive limb-girdle muscular dystrophy type 2J (LGMDR10). Also called: Limb-girdle muscular dystrophy, type 2J; MUSCULAR DYSTROPHY, LIMB-GIRDLE, AUTOSOMAL RECESSIVE 10. Identifiers: Orphanet 140922, MedGen C1837342, MONDO:0012127, OMIM 608807.
Early-onset myopathy with fatal cardiomyopathy (CMYO5). Also called: CONGENITAL MYOPATHY 5 WITH CARDIOMYOPATHY; Salih Myopathy. Identifiers: Orphanet 289377, MedGen C2673677, MONDO:0012714, OMIM 611705. Disease mechanism: loss of function.
Tibial muscular dystrophy (TMD). Also called: Tibial muscular dystrophy, tardive; Udd Distal Myopathy – Tibial Muscular Dystrophy; UDD MYOPATHY. Identifiers: Orphanet 609, MedGen C1838244, MONDO:0010870, OMIM 600334.
Myopathy, myofibrillar, 9, with early respiratory failure (MFM9). Also called: Myopathy, distal, with early respiratory failure, autosomal dominant; MYOPATHY, PROXIMAL, WITH EARLY RESPIRATORY MUSCLE INVOLVEMENT; Hereditary myopathy with early respiratory failure; EDSTROM MYOPATHY. Identifiers: Orphanet 178464, Orphanet 34521, MedGen C1863599, MONDO:0011362, OMIM 603689.

Allele frequency attached by ClinVar (database versions not stated): TOPMed 0.00004; ESP Exome Variant Server 0.00008; gnomAD exomes 0.00033 and 0.00066; gnomAD 0.00051 and 0.00056; ExAC 0.00062.
gnomAD v4.1: 592 of 1,613,794 alleles (0.037%); highest among the groups gnomAD compares: East Asian, 0.17%; 1 homozygote.

Submissions (11):

Labcorp Genetics (formerly Invitae), Labcorp
Classification: Likely benign for Dilated cardiomyopathy 1G; Autosomal recessive limb-girdle muscular dystrophy type 2J. Last evaluated: 2026-01-20. Review status: criteria provided, single submitter. Criteria: Invitae Variant Classification Sherloc (09022015). Collection method: clinical testing. Allele origin: germline.

PreventionGenetics, part of Exact Sciences
Classification: Likely benign for TTN-related condition. Last evaluated: 2025-06-23. Review status: criteria provided, single submitter. Criteria: ACMG Guidelines, 2015. Collection method: clinical testing. Allele origin: germline.
Comment: This variant is classified as likely benign based on ACMG/AMP sequence variant interpretation guidelines (Richards et al. 2015 PMID: 25741868, with internal and published modifications).

Blueprint Genetics
Classification: Likely benign. Last evaluated: 2024-11-26. Review status: criteria provided, single submitter. Criteria: ACMG Guidelines, 2015. Collection method: clinical testing. Allele origin: germline.

ARUP Laboratories, Molecular Genetics and Genomics, ARUP Laboratories
Classification: Likely benign. Last evaluated: 2020-11-18. Review status: criteria provided, single submitter. Criteria: ARUP Molecular Germline Variant Investigation Process 2021. Collection method: clinical testing. Allele origin: germline.

GeneDx
Classification: Likely benign. Last evaluated: 2020-11-12. Review status: criteria provided, single submitter. Criteria: GeneDx Variant Classification Process June 2021. Collection method: clinical testing. Allele origin: germline. Affected: yes.

Illumina Laboratory Services, Illumina
Classification: Uncertain significance for Early-onset myopathy with fatal cardiomyopathy. Last evaluated: 2018-01-13. Review status: criteria provided, single submitter. Criteria: ICSL Variant Classification Criteria 13 December 2019. Collection method: clinical testing. Allele origin: germline.

Illumina Laboratory Services, Illumina
Classification: Benign for Myopathy, myofibrillar, 9, with early respiratory failure. Last evaluated: 2018-01-13. Review status: criteria provided, single submitter. Criteria: ICSL Variant Classification Criteria 13 December 2019. Collection method: clinical testing. Allele origin: germline.
Comment: This variant was observed in the ICSL laboratory as part of a predisposition screen in an ostensibly healthy population. It had not been previously curated by ICSL or reported in the Human Gene Mutation Database (HGMD: prior to June 1st, 2018), and was therefore a candidate for classification through an automated scoring system. Utilizing variant allele frequency, disease prevalence and penetrance estimates, and inheritance mode, an automated score was calculated to assess if this variant is too frequent to cause the disease. Based on the score and internal cut-off values, a variant classified as benign is not then subjected to further curation. The score for this variant resulted in a classification of benign for this disease.

Illumina Laboratory Services, Illumina
Classification: Uncertain significance for Dilated cardiomyopathy 1G. Last evaluated: 2018-01-13. Review status: criteria provided, single submitter. Criteria: ICSL Variant Classification Criteria 13 December 2019. Collection method: clinical testing. Allele origin: germline.

Illumina Laboratory Services, Illumina
Classification: Uncertain significance for Autosomal recessive limb-girdle muscular dystrophy type 2J. Last evaluated: 2018-01-13. Review status: criteria provided, single submitter. Criteria: ICSL Variant Classification Criteria 13 December 2019. Collection method: clinical testing. Allele origin: germline.

Illumina Laboratory Services, Illumina
Classification: Benign for Tibial muscular dystrophy. Last evaluated: 2018-01-13. Review status: criteria provided, single submitter. Criteria: ICSL Variant Classification Criteria 13 December 2019. Collection method: clinical testing. Allele origin: germline.
Comment: the same text as in the submission from Illumina Laboratory Services, Illumina above.

Laboratory for Molecular Medicine, Mass General Brigham Personalized Medicine
Classification: Likely benign. Last evaluated: 2015-05-20. Review status: criteria provided, single submitter. Criteria: LMM Criteria. Collection method: clinical testing. Allele origin: germline. Observed: 1 variant allele.
Comment: p.Gly28220Ser in exon 288 of TTN: This variant is not expected to have clinical significance because it has been identified in 0.4% (28/6610) of Finnish chromos omes by the Exome Aggregation Consortium (ExAC; dbSNP rs199891245).